The following is an entry in ClinVar:

ClinVar aggregate classification (germline): Likely benign (0 of 4 stars; one submission).

Conditions:
CSNK1D-related disorder. Also called: CSNK1D-related condition.

Allele frequency attached by ClinVar (database versions not stated): gnomAD exomes 0.00005; ExAC 0.00015; 1000 Genomes Project 0.00020; 1000 Genomes Project 30x 0.00047; gnomAD 0.00057; TOPMed 0.00076.
gnomAD v4.1: 158 of 1,543,318 alleles (0.01%); highest among the groups gnomAD compares: African/African-American, 0.2%; no homozygotes.

Submission:

PreventionGenetics, part of Exact Sciences
Classification: Likely benign for CSNK1D-related condition. Last evaluated: 2019-02-16. Review status: no assertion criteria provided. Collection method: clinical testing. Allele origin: germline.
Comment: This variant is classified as likely benign based on ACMG/AMP sequence variant interpretation guidelines (Richards et al. 2015 PMID: 25741868, with internal and published modifications).

NM_001893.6(CSNK1D):c.996C>G (p.Gly332=)

Gene: CSNK1D (casein kinase 1 delta; minus strand). Cytogenetic location: 17q25.3.
Variant type: single nucleotide variant.
Coding change: c.996C>G on transcript NM_001893.6 (MANE Select); coding-DNA position 996, C replaced by G.
Protein change: p.Gly332=; no amino-acid change (glycine 332 retained).
Molecular consequence: synonymous variant. On other transcripts: non-coding transcript variant (1).
Genome position (GRCh38, 1-based): chr17:82,249,492, G>C on the plus strand (C>G on the coding strand, the complement: CSNK1D is on the minus strand). VCF-style: chr17-82249492-G-C. GRCh37 (hg19) VCF-style: chr17-80207368-G-C.
Other names: c.996C>G, p.Gly332= (NM_001363749.2, NM_139062.4).
Identifiers: ClinVar variation 3057884 (VCV003057884.2), dbSNP rs550076896, ClinGen allele CA8855498.